The following is an entry in ClinVar:

NM_032730.5(RTN4IP1):c.107C>A (p.Thr36Asn)

Gene: RTN4IP1 (reticulon 4 interacting protein 1; minus strand). Cytogenetic location: 6q21.
Variant type: single nucleotide variant.
Coding change: c.107C>A on transcript NM_032730.5 (MANE Select); coding-DNA position 107, C replaced by A.
Protein change: p.Thr36Asn; replaces threonine 36 with asparagine.
Molecular consequence: missense variant. On other transcripts: intron variant (1).
Genome position (GRCh38, 1-based): chr6:106,628,915, G>T on the plus strand (C>A on the coding strand, the complement: RTN4IP1 is on the minus strand). VCF-style: chr6-106628915-G-T. GRCh37 (hg19) VCF-style: chr6-107076790-G-T.
Other names: c.-27+1412C>A (NM_001318746.1); short protein forms T36N.
Identifiers: ClinVar variation 1385851 (VCV001385851.6), dbSNP rs770620459, ClinGen allele CA145001272.

ClinVar aggregate classification (germline): Uncertain significance (1 of 4 stars; one submission).

Submission:

Labcorp Genetics (formerly Invitae), Labcorp
Classification: Uncertain significance. Last evaluated: 2022-09-13. Review status: criteria provided, single submitter. Criteria: Invitae Variant Classification Sherloc (09022015). Collection method: clinical testing. Allele origin: germline.
Comment: ClinVar contains an entry for this variant (Variation ID: 1385851). This sequence change replaces threonine, which is neutral and polar, with asparagine, which is neutral and polar, at codon 36 of the RTN4IP1 protein (p.Thr36Asn). This variant is not present in population databases (gnomAD no frequency). This variant has not been reported in the literature in individuals affected with RTN4IP1-related conditions. Algorithms developed to predict the effect of missense changes on protein structure and function (SIFT, PolyPhen-2, Align-GVGD) all suggest that this variant is likely to be tolerated. In summary, the available evidence is currently insufficient to determine the role of this variant in disease. Therefore, it has been classified as a Variant of Uncertain Significance.